The following is an entry in ClinVar:

NM_144666.3(DNHD1):c.13711_13716dup (p.Ala4572_Ser4573insAspAla)

Gene: DNHD1 (dynein heavy chain domain 1; plus strand). Cytogenetic location: 11p15.4.
Variant type: Duplication.
Coding change: c.13711_13716dup on transcript NM_144666.3 (MANE Select); coding-DNA positions 13711 to 13716, 6 bases duplicated (GACGCG; older notation c.13711_13716dupGACGCG).
Protein change: p.Ala4572_Ser4573insAspAla.
Molecular consequence: inframe insertion.
Genome position (GRCh38, 1-based): chr11:6,571,223-6,571,228, GACGCG duplicated; duplicating any 6 consecutive bases within chr11:6,571,219-6,571,228 gives the same sequence; the c. name uses the placement nearest the transcript's 3' end. VCF-style (leftmost placement, unchanged base first): chr11-6571218-G-GCGCGGA. GRCh37 (hg19) VCF-style: chr11-6592448-G-GCGCGGA.
Identifiers: ClinVar variation 3253298 (VCV003253298.2), dbSNP rs758450539.

ClinVar aggregate classification (germline): Uncertain significance (1 of 4 stars; one submission).

Submission:

GeneDx
Classification: Uncertain significance. Last evaluated: 2026-05-17. Review status: criteria provided, single submitter. Criteria: GeneDx Variant Classification Process June 2021. Collection method: clinical testing. Allele origin: germline.
Comment: In-frame insertion of 2 amino acids in a non-repeat region; Has not been previously published as pathogenic or benign to our knowledge